The following is an entry in ClinVar:

NM_002878.4(RAD51D):c.415G>A (p.Gly139Arg)

Genes: RAD51D (RAD51 paralog D; minus strand), RAD51L3-RFFL (RAD51L3-RFFL readthrough; minus strand). Cytogenetic location: 17q12.
Variant type: single nucleotide variant.
Coding change: c.415G>A on transcript NM_002878.4 (MANE Select); coding-DNA position 415, G replaced by A.
Protein change: p.Gly139Arg; replaces glycine 139 with arginine.
Molecular consequence: missense variant. On other transcripts: non-coding transcript variant (1), intron variant (1).
Genome position (GRCh38, 1-based): chr17:35,107,053, C>T on the plus strand (G>A on the coding strand, the complement: RAD51D is on the minus strand). VCF-style: chr17-35107053-C-T. GRCh37 (hg19) VCF-style: chr17-33434072-C-T.
Other names: c.475G>A, p.Gly159Arg (NM_001142571.2); c.145-572G>A (NM_133629.3); short protein forms G139R, G159R.
Identifiers: ClinVar variation 490140 (VCV000490140.13), dbSNP rs745842748, ClinGen allele CA8499481.
Genomic context (GRCh38, chr17:35,107,053, plus strand): 5'-CCTCCTCATCCTGGGTTTTAGCCTGAAGCAGCTGGAGGAGGCGGGAAGCTGTCAGCCCTC[C>T]ATTGGAATCTACATATAGGACGTTTTGCTGCAGGCCATGGGCCACATTTGCTGCCATACA-3'
Protein context (NP_002869.3, residues 129-149): QQNVLYVDSN[Gly139Arg]GLTASRLLQL

ClinVar aggregate classification (germline): Uncertain significance. Review status: criteria provided, multiple submitters, no conflicts (2 of 4 stars). 4 submissions from 4 submitters: Uncertain significance (4). Last evaluated 2025-12-15.

Conditions:
Breast-ovarian cancer, familial, susceptibility to, 4. Identifiers: Orphanet 145, MedGen C3280345, MONDO:0013669, OMIM 614291.
Hereditary cancer-predisposing syndrome. Also called: Hereditary Cancer Syndrome; Neoplastic Syndromes, Hereditary; Tumor predisposition; Hereditary neoplastic syndrome. Identifiers: Orphanet 140162, MedGen C0027672, MeSH D009386, MONDO:0015356.

Allele frequency attached by ClinVar (database versions not stated): gnomAD exomes below 0.00001 and 0.00001; ExAC 0.00001.
gnomAD v4.1: 2 of 1,614,138 alleles (0.00012%); highest among the groups gnomAD compares: South Asian, 0.0022%; no homozygotes.

Submissions (4):

Labcorp Genetics (formerly Invitae), Labcorp
Classification: Uncertain significance for Breast-ovarian cancer, familial, susceptibility to, 4. Last evaluated: 2025-12-15. Review status: criteria provided, single submitter. Criteria: Invitae Variant Classification Sherloc (09022015). Collection method: clinical testing. Allele origin: germline.
Comment: This sequence change replaces glycine, which is neutral and non-polar, with arginine, which is basic and polar, at codon 139 of the RAD51D protein (p.Gly139Arg). This variant is present in population databases (rs745842748, gnomAD 0.006%). This variant has not been reported in the literature in individuals affected with RAD51D-related conditions. ClinVar contains an entry for this variant (Variation ID: 490140). Invitae Evidence Modeling of protein sequence and biophysical properties (such as structural, functional, and spatial information, amino acid conservation, physicochemical variation, residue mobility, and thermodynamic stability) has been performed for this missense variant. However, the output from this modeling did not meet the statistical confidence thresholds required to predict the impact of this variant on RAD51D protein function. In summary, the available evidence is currently insufficient to determine the role of this variant in disease. Therefore, it has been classified as a Variant of Uncertain Significance.

Color Diagnostics, LLC DBA Color Health
Classification: Uncertain significance for Hereditary cancer-predisposing syndrome. Last evaluated: 2023-12-05. Review status: criteria provided, single submitter. Criteria: ACMG Guidelines, 2015. Collection method: clinical testing. Allele origin: germline.
Comment: This missense variant replaces glycine with arginine at codon 139 of the RAD51D protein. Computational prediction is inconclusive regarding the impact of this variant on protein structure and function (internally defined REVEL score threshold 0.5 < inconclusive < 0.7, PMID: 27666373). To our knowledge, functional studies have not been reported for this variant. This variant has not been reported in individuals affected with RAD51D-related disorders in the literature. This variant has been identified in 2/251476 chromosomes in the general population by the Genome Aggregation Database (gnomAD). The available evidence is insufficient to determine the role of this variant in disease conclusively. Therefore, this variant is classified as a Variant of Uncertain Significance.

Baylor Genetics
Classification: Uncertain significance for Breast-ovarian cancer, familial, susceptibility to, 4. Last evaluated: 2023-05-17. Review status: criteria provided, single submitter. Criteria: ACMG Guidelines, 2015. Collection method: clinical testing. Allele origin: unknown.

Ambry Genetics
Classification: Uncertain significance for Hereditary cancer-predisposing syndrome. Last evaluated: 2022-09-10. Review status: criteria provided, single submitter. Criteria: Ambry Variant Classification Scheme 2023. Collection method: clinical testing. Allele origin: germline.
Comment: The p.G139R variant (also known as c.415G>A), located in coding exon 5 of the RAD51D gene, results from a G to A substitution at nucleotide position 415. The glycine at codon 139 is replaced by arginine, an amino acid with dissimilar properties. This amino acid position is conserved. In addition, this alteration is predicted to be deleterious by in silico analysis. Since supporting evidence is limited at this time, the clinical significance of this alteration remains unclear.